The following is an entry in ClinVar:

NM_000245.4(MET):c.3838G>A (p.Gly1280Arg)

Gene: MET (MET proto-oncogene, receptor tyrosine kinase; plus strand). Cytogenetic location: 7q31.2.
Variant type: single nucleotide variant.
Coding change: c.3838G>A on transcript NM_000245.4 (MANE Select); coding-DNA position 3838, G replaced by A.
Protein change: p.Gly1280Arg; replaces glycine 1280 with arginine.
Molecular consequence: missense variant.
Genome position (GRCh38, 1-based): chr7:116,795,694, G>A. VCF-style: chr7-116795694-G-A. GRCh37 (hg19) VCF-style: chr7-116435748-G-A.
Other names: c.3892G>A, p.Gly1298Arg (NM_001127500.3); c.2548G>A, p.Gly850Arg (NM_001324402.2); short protein forms G1280R, G1298R, G850R.
Identifiers: ClinVar variation 1997529 (VCV001997529.4), dbSNP rs2117107875, ClinGen allele CA369117807.
Genomic context (GRCh38, chr7:116,795,694, plus strand): 5'-TCCTGTTTCTTGTTTTACTAGTGGTCCTTTGGCGTGCTCCTCTGGGAGCTGATGACAAGA[G>A]GAGCCCCACCTTATCCTGACGTAAACACCTTTGATATAACTGTTTACTTGTTGCAAGGGA-3'
Protein context (NP_000236.2, residues 1270-1290): GVLLWELMTR[Gly1280Arg]APPYPDVNTF

ClinVar aggregate classification (germline): Uncertain significance (1 of 4 stars; one submission).

Conditions:
Renal cell carcinoma. Identifiers: Orphanet 217071, MedGen C0007134, MeSH D002292, MONDO:0005086, HP:0005584.

Submission:

Labcorp Genetics (formerly Invitae), Labcorp
Classification: Uncertain significance for Renal cell carcinoma. Last evaluated: 2022-05-23. Review status: criteria provided, single submitter. Criteria: Invitae Variant Classification Sherloc (09022015). Collection method: clinical testing. Allele origin: germline.
Comment: This sequence change replaces glycine, which is neutral and non-polar, with arginine, which is basic and polar, at codon 1298 of the MET protein (p.Gly1298Arg). In summary, the available evidence is currently insufficient to determine the role of this variant in disease. Therefore, it has been classified as a Variant of Uncertain Significance. Algorithms developed to predict the effect of missense changes on protein structure and function (SIFT, PolyPhen-2, Align-GVGD) all suggest that this variant is likely to be disruptive. This variant has not been reported in the literature in individuals affected with MET-related conditions. This variant is not present in population databases (gnomAD no frequency).